The following is an entry in ClinVar:

ClinVar aggregate classification (germline): Uncertain significance (1 of 4 stars; one submission).

Conditions:
Inborn genetic diseases. Identifiers: MedGen C0950123, MeSH D030342.

Submission:

Ambry Genetics
Classification: Uncertain significance for Inborn genetic diseases. Last evaluated: 2025-04-19. Review status: criteria provided, single submitter. Criteria: Ambry Variant Classification Scheme 2023. Collection method: clinical testing. Allele origin: germline.
Comment: The p.T96S variant (also known as c.287C>G), located in coding exon 3 of the CEP57 gene, results from a C to G substitution at nucleotide position 287. The threonine at codon 96 is replaced by serine, an amino acid with similar properties. This amino acid position is conserved. In addition, this alteration is predicted to be tolerated by in silico analysis. Based on the available evidence, the clinical significance of this variant remains unclear.

NM_014679.5(CEP57):c.287C>G (p.Thr96Ser)

Gene: CEP57 (centrosomal protein 57; plus strand). Cytogenetic location: 11q21.
Variant type: single nucleotide variant.
Coding change: c.287C>G on transcript NM_014679.5 (MANE Select); coding-DNA position 287, C replaced by G.
Protein change: p.Thr96Ser; replaces threonine 96 with serine.
Molecular consequence: missense variant.
Genome position (GRCh38, 1-based): chr11:95,813,016, C>G. VCF-style: chr11-95813016-C-G. GRCh37 (hg19) VCF-style: chr11-95546180-C-G.
Other names: c.260C>G, p.Thr87Ser (NM_001243776.2); c.287C>G, p.Thr96Ser (NM_001243777.2); c.206C>G, p.Thr69Ser (NM_001363604.2); short protein forms T69S, T96S, T87S.
Identifiers: ClinVar variation 4001020 (VCV004001020.1).